The following is an entry in ClinVar:

NM_006939.4(SOS2):c.1633C>T (p.Arg545Cys)

Gene: SOS2 (SOS Ras/Rho guanine nucleotide exchange factor 2; minus strand). Cytogenetic location: 14q21.3.
Variant type: single nucleotide variant.
Coding change: c.1633C>T on transcript NM_006939.4 (MANE Select); coding-DNA position 1633, C replaced by T.
Protein change: p.Arg545Cys; replaces arginine 545 with cysteine.
Molecular consequence: missense variant.
Genome position (GRCh38, 1-based): chr14:50,159,650, G>A on the plus strand (C>T on the coding strand, the complement: SOS2 is on the minus strand). VCF-style: chr14-50159650-G-A. GRCh37 (hg19) VCF-style: chr14-50626368-G-A.
Other names: c.1633C>T (NM_006939.2); short protein forms R545C.
Identifiers: ClinVar variation 1480273 (VCV001480273.9), dbSNP rs148019428, ClinGen allele CA7177259.
Genomic context (GRCh38, chr14:50,159,650, plus strand): 5'-GTGGTTGCTCATTTTCTTCTTTCAATAATACTGAATCTAACATTCGATCTAGAGTACTAC[G>A]ATAATGAAGAGAAATAAGGGCTGCCATCCAGTTGTTTTTTTCTTCAGCAGACTTAGCAGC-3'
Protein context (NP_008870.2, residues 535-555): WMAALISLHY[Arg545Cys]STLDRMLDSV

ClinVar aggregate classification (germline): Uncertain significance. Review status: criteria provided, multiple submitters, no conflicts (2 of 4 stars). 4 submissions from 4 submitters: Uncertain significance (4). Last evaluated 2026-02-14.

Conditions:
Noonan syndrome 9 (NS9). Identifiers: Orphanet 648, MedGen C4225282, MONDO:0014691, OMIM 616559.
Cardiovascular phenotype. Identifiers: MedGen CN230736.

Allele frequency attached by ClinVar (database versions not stated): gnomAD 0.00001; TOPMed 0.00001; gnomAD exomes 0.00002; ExAC 0.00003; ESP Exome Variant Server 0.00008.
gnomAD v4.1: 28 of 1,613,426 alleles (0.0017%); highest among the groups gnomAD compares: African/African-American, 0.0027%; no homozygotes.

Submissions (4):

Ambry Genetics
Classification: Uncertain significance for Cardiovascular phenotype. Last evaluated: 2026-02-14. Review status: criteria provided, single submitter. Criteria: Ambry Variant Classification Scheme 2023. Collection method: clinical testing. Allele origin: germline.
Comment: The p.R545C variant (also known as c.1633C>T), located in coding exon 10 of the SOS2 gene, results from a C to T substitution at nucleotide position 1633. The arginine at codon 545 is replaced by cysteine, an amino acid with highly dissimilar properties. This amino acid position is conserved. In addition, this alteration is predicted to be deleterious by in silico analysis. Based on the available evidence, the clinical significance of this variant remains unclear.

Labcorp Genetics (formerly Invitae), Labcorp
Classification: Uncertain significance for Noonan syndrome 9. Last evaluated: 2025-10-13. Review status: criteria provided, single submitter. Criteria: Invitae Variant Classification Sherloc (09022015). Collection method: clinical testing. Allele origin: germline.
Comment: This sequence change replaces arginine, which is basic and polar, with cysteine, which is neutral and slightly polar, at codon 545 of the SOS2 protein (p.Arg545Cys). This variant is present in population databases (rs148019428, gnomAD 0.01%). This variant has not been reported in the literature in individuals affected with SOS2-related conditions. ClinVar contains an entry for this variant (Variation ID: 1480273). Invitae Evidence Modeling of protein sequence and biophysical properties (such as structural, functional, and spatial information, amino acid conservation, physicochemical variation, residue mobility, and thermodynamic stability) has been performed for this missense variant. However, the output from this modeling did not meet the statistical confidence thresholds required to predict the impact of this variant on SOS2 protein function. In summary, the available evidence is currently insufficient to determine the role of this variant in disease. Therefore, it has been classified as a Variant of Uncertain Significance.

Women's Health and Genetics/Laboratory Corporation of America, LabCorp
Classification: Uncertain significance. Last evaluated: 2024-01-08. Review status: criteria provided, single submitter. Criteria: LabCorp Variant Classification Summary - May 2015. Collection method: clinical testing. Allele origin: germline.

GeneDx
Classification: Uncertain significance. Last evaluated: 2023-11-21. Review status: criteria provided, single submitter. Criteria: GeneDx Variant Classification Process June 2021. Collection method: clinical testing. Allele origin: germline. Affected: yes.
Comment: In silico analysis supports that this missense variant has a deleterious effect on protein structure/function; Has not been previously published as pathogenic or benign to our knowledge